The following is an entry in ClinVar:

ClinVar aggregate classification (germline): Benign/Likely benign. Review status: criteria provided, multiple submitters, no conflicts (2 of 4 stars). 4 submissions from 4 submitters: Benign (2); Likely benign (1). 1 of the submissions does not count toward it. Last evaluated 2026-01-26.

Conditions:
WRN-related disorder. Also called: WRN-related condition.
Werner syndrome (WRN). Identifiers: Orphanet 902, MedGen C0043119, MONDO:0010196, OMIM 277700.

Allele frequency attached by ClinVar (database versions not stated): gnomAD exomes 0.00005 and 0.00012; ExAC 0.00013; 1000 Genomes Project 30x 0.00016; 1000 Genomes Project 0.00020; ESP Exome Variant Server 0.00023; gnomAD 0.00050 and 0.00053; TOPMed 0.00052.
gnomAD v4.1: 165 of 1,614,064 alleles (0.01%); highest among the groups gnomAD compares: African/African-American, 0.16%; no homozygotes.

Submissions (4):

Labcorp Genetics (formerly Invitae), Labcorp
Classification: Benign for Werner syndrome. Last evaluated: 2026-01-26. Review status: criteria provided, single submitter. Criteria: Invitae Variant Classification Sherloc (09022015). Collection method: clinical testing. Allele origin: germline.

Blueprint Genetics
Classification: Likely benign. Last evaluated: 2024-03-09. Review status: criteria provided, single submitter. Criteria: ACMG Guidelines, 2015. Collection method: clinical testing. Allele origin: germline.

Breakthrough Genomics
Classification: Benign. Review status: criteria provided, single submitter. Criteria: ACMG Guidelines, 2015. Collection method: not provided. Allele origin: germline. Inheritance: Autosomal recessive inheritance. Affected: yes.

PreventionGenetics, part of Exact Sciences
Classification: Likely benign for WRN-related condition. Last evaluated: 2022-12-08. Review status: no assertion criteria provided. Collection method: clinical testing. Allele origin: germline. Not counted in ClinVar's aggregate classification.
Comment: This variant is classified as likely benign based on ACMG/AMP sequence variant interpretation guidelines (Richards et al. 2015 PMID: 25741868, with internal and published modifications).

NM_000553.6(WRN):c.4248T>C (p.Asp1416=)

Genes: WRN (WRN RecQ like helicase; plus strand), LOC126860342 (MED14-independent group 3 enhancer GRCh37_chr8:31029565-31030764; plus strand). Cytogenetic location: 8p12.
Variant type: single nucleotide variant.
Coding change: c.4248T>C on transcript NM_000553.6 (MANE Select); coding-DNA position 4248, T replaced by C.
Protein change: p.Asp1416=; no amino-acid change (aspartic acid 1416 retained).
Molecular consequence: synonymous variant.
Genome position (GRCh38, 1-based): chr8:31,173,051, T>C. VCF-style: chr8-31173051-T-C. GRCh37 (hg19) VCF-style: chr8-31030567-T-C.
Identifiers: ClinVar variation 238166 (VCV000238166.15), dbSNP rs112024742, ClinGen allele CA4705305.